The following is an entry in ClinVar:

NM_004172.5(SLC1A3):c.363G>T (p.Met121Ile)

Genes: SLC1A3 (solute carrier family 1 member 3; plus strand), SLC1A3-AS1 (SLC1A3 antisense RNA 1; minus strand). Cytogenetic location: 5p13.2.
Variant type: single nucleotide variant.
Coding change: c.363G>T on transcript NM_004172.5 (MANE Select); coding-DNA position 363, G replaced by T.
Protein change: p.Met121Ile; replaces methionine 121 with isoleucine.
Molecular consequence: missense variant.
Genome position (GRCh38, 1-based): chr5:36,671,072, G>T. VCF-style: chr5-36671072-G-T. GRCh37 (hg19) VCF-style: chr5-36671174-G-T.
Other names: c.363G>T, p.Met121Ile (NM_001166695.3, NM_001289940.2); c.225G>T, p.Met75Ile (NM_001289939.2); short protein forms M121I, M75I.
Identifiers: ClinVar variation 2684385 (VCV002684385.1), dbSNP rs762075519, ClinGen allele CA359477245.

ClinVar aggregate classification (germline): Uncertain significance (1 of 4 stars; one submission).

Submission:

Athena Diagnostics
Classification: Uncertain significance. Last evaluated: 2023-06-16. Review status: criteria provided, single submitter. Criteria: Athena Diagnostics Criteria. Collection method: clinical testing. Allele origin: unknown.
Comment: Available data are insufficient to determine the clinical significance of the variant at this time. The frequency of this variant in the general population is uninformative in assessment of its pathogenicity. Computational tools predict that this variant is not damaging.